The following is an entry in ClinVar:

NM_006618.5(KDM5B):c.1996A>G (p.Arg666Gly)

Gene: KDM5B (lysine demethylase 5B; minus strand). Cytogenetic location: 1q32.1.
Variant type: single nucleotide variant.
Coding change: c.1996A>G on transcript NM_006618.5 (MANE Select); coding-DNA position 1996, A replaced by G.
Protein change: p.Arg666Gly; replaces arginine 666 with glycine.
Molecular consequence: missense variant.
Genome position (GRCh38, 1-based): chr1:202,748,965, T>C on the plus strand (A>G on the coding strand, the complement: KDM5B is on the minus strand). VCF-style: chr1-202748965-T-C. GRCh37 (hg19) VCF-style: chr1-202718093-T-C.
Other names: c.2104A>G, p.Arg702Gly (NM_001314042.2); c.1861A>G, p.Arg621Gly (NM_001347591.2); c.1981A>G, p.Arg661Gly (NM_001399817.1); short protein forms R621G, R702G, R661G, R666G.
Identifiers: ClinVar variation 1810471 (VCV001810471.1), dbSNP rs2527500744, ClinGen allele CA344266754.

ClinVar aggregate classification (germline): Uncertain significance (1 of 4 stars; one submission).

Submission:

GeneDx
Classification: Uncertain significance. Last evaluated: 2022-07-05. Review status: criteria provided, single submitter. Criteria: GeneDx Variant Classification Process June 2021. Collection method: clinical testing. Allele origin: germline. Affected: yes.
Comment: Not observed at significant frequency in large population cohorts (gnomAD); In silico analysis supports that this missense variant has a deleterious effect on protein structure/function; Has not been previously published as pathogenic or benign to our knowledge